The following is an entry in ClinVar:

ClinVar aggregate classification (germline): Benign/Likely benign. Review status: criteria provided, multiple submitters, no conflicts (2 of 4 stars). 3 submissions from 3 submitters: Benign (1); Likely benign (2). Last evaluated 2025-04-30.

Conditions:
Hereditary cancer-predisposing syndrome. Also called: Hereditary Cancer Syndrome; Hereditary neoplastic syndrome; Neoplastic Syndromes, Hereditary; Tumor predisposition. Identifiers: Orphanet 140162, MedGen C0027672, MeSH D009386, MONDO:0015356.
Tuberous sclerosis 1 (TSC1). Identifiers: Orphanet 805, MedGen C1854465, MONDO:0008612, OMIM 191100.

Submissions (3):

Myriad Genetics, Inc.
Classification: Benign for Tuberous sclerosis 1. Last evaluated: 2025-04-30. Review status: criteria provided, single submitter. Criteria: Myriad Autosomal Dominant, Autosomal Recessive and X-Linked Classification Criteria (2023). Collection method: clinical testing. Allele origin: unknown.
Comment: This variant is considered benign. This variant is a silent/synonymous amino acid change and it is not expected to impact splicing.

Ambry Genetics
Classification: Likely benign for Hereditary cancer-predisposing syndrome. Last evaluated: 2025-02-14. Review status: criteria provided, single submitter. Criteria: Ambry Variant Classification Scheme 2023. Collection method: clinical testing. Allele origin: germline.

Labcorp Genetics (formerly Invitae), Labcorp
Classification: Likely benign for Tuberous sclerosis 1. Last evaluated: 2019-12-15. Review status: criteria provided, single submitter. Criteria: Invitae Variant Classification Sherloc (09022015). Collection method: clinical testing. Allele origin: germline.

NM_000368.5(TSC1):c.3243T>A (p.Leu1081=)

Gene: TSC1 (TSC complex subunit 1; minus strand). Cytogenetic location: 9q34.13.
Variant type: single nucleotide variant.
Coding change: c.3243T>A on transcript NM_000368.5 (MANE Select); coding-DNA position 3243, T replaced by A.
Protein change: p.Leu1081=; no amino-acid change (leucine 1081 retained).
Molecular consequence: synonymous variant.
Genome position (GRCh38, 1-based): chr9:132,896,487, A>T on the plus strand (T>A on the coding strand, the complement: TSC1 is on the minus strand). VCF-style: chr9-132896487-A-T. GRCh37 (hg19) VCF-style: chr9-135771874-A-T.
Other names: c.3243T>A (NM_000368.4); c.3240T>A, p.Leu1080= (NM_001162426.2); c.3090T>A, p.Leu1030= (NM_001162427.2); c.2880T>A, p.Leu960= (NM_001362177.2).
Identifiers: ClinVar variation 1148051 (VCV001148051.11), dbSNP rs2131599256, ClinGen allele CA467813334.